The following is an entry in ClinVar:

NM_001314025.2(YBEY):c.210+13T>A

Gene: YBEY (ybeY metalloendoribonuclease; plus strand). Cytogenetic location: 21q22.3.
Variant type: single nucleotide variant.
Coding change: c.210+13T>A on transcript NM_001314025.2 (MANE Select); 13 bases into the intron after coding-DNA position 210, T replaced by A.
Molecular consequence: intron variant.
Genome position (GRCh38, 1-based): chr21:46,287,136, T>A. VCF-style: chr21-46287136-T-A. GRCh37 (hg19) VCF-style: chr21-47707050-T-A.
Other names: c.210+13T>A (NM_058181.3, NM_001314022.2, NM_001314026.2 and 1 more transcripts); c.75+148T>A (NM_001314023.2, NM_001314024.2).
Identifiers: ClinVar variation 403614 (VCV000403614.5), dbSNP rs61182475, ClinGen allele CA10077526.

ClinVar aggregate classification (germline): Benign. Review status: criteria provided, multiple submitters, no conflicts (2 of 4 stars). 2 submissions from 2 submitters: Benign (2). Last evaluated 2016-03-29.

Allele frequency attached by ClinVar (database versions not stated): ESP Exome Variant Server 0.11062; 1000 Genomes Project 0.35863; 1000 Genomes Project 30x 0.36149; gnomAD exomes 0.38531 and 0.44326; ExAC 0.40057; TOPMed 0.40437; gnomAD 0.40508 and 0.40687.
gnomAD v4.1: 679,787 of 1,547,800 alleles (44%); highest among the groups gnomAD compares: Admixed American, 48%; 155,095 homozygotes.

Submissions (2):

Laboratory for Molecular Medicine, Mass General Brigham Personalized Medicine
Classification: Benign. Last evaluated: 2016-03-29. Review status: criteria provided, single submitter. Criteria: LMM Criteria. Collection method: clinical testing. Allele origin: germline.
Comment: Variant identified in a genome or exome case(s) and assessed due to predicted null impact of the variant or pathogenic assertions in the literature or databases. Disclaimer: This variant has not undergone full assessment. The following are preliminary notes: Frequency

Breakthrough Genomics
Classification: Benign. Review status: criteria provided, single submitter. Criteria: ACMG Guidelines, 2015. Collection method: not provided. Allele origin: germline. Inheritance: Unknown mechanism. Affected: yes.